The following is an entry in ClinVar:

ClinVar aggregate classification (germline): Pathogenic (1 of 4 stars; one submission).

Allele frequency attached by ClinVar (database versions not stated): 1000 Genomes Project 0.00020; 1000 Genomes Project 30x 0.00016.
gnomAD v4.1: 6 of 1,613,924 alleles (0.00037%); highest among the groups gnomAD compares: African/African-American, 0.0053%; no homozygotes.

Submission:

Labcorp Genetics (formerly Invitae), Labcorp
Classification: Pathogenic. Last evaluated: 2025-12-22. Review status: criteria provided, single submitter. Criteria: Invitae Variant Classification Sherloc (09022015). Collection method: clinical testing. Allele origin: germline.
Comment: This sequence change creates a premature translational stop signal (p.Cys861*) in the MYO18B gene. It is expected to result in an absent or disrupted protein product. Loss-of-function variants in MYO18B are known to be pathogenic (PMID: 25748484, 32184166, 32637634). This variant is present in population databases (rs567970076, gnomAD 0.01%). This variant has not been reported in the literature in individuals affected with MYO18B-related conditions. ClinVar contains an entry for this variant (Variation ID: 1504711). For these reasons, this variant has been classified as Pathogenic.

Literature cited by the submitters: PubMed 25748484; PubMed 32184166; PubMed 32637634.

NM_032608.7(MYO18B):c.2583C>A (p.Cys861Ter)

Gene: MYO18B (myosin XVIIIB; plus strand). Cytogenetic location: 22q12.1.
Variant type: single nucleotide variant.
Coding change: c.2583C>A on transcript NM_032608.7 (MANE Select); coding-DNA position 2583, C replaced by A.
Protein change: p.Cys861Ter; replaces cysteine 861 with a stop codon.
Molecular consequence: nonsense.
Genome position (GRCh38, 1-based): chr22:25,823,566, C>A. VCF-style: chr22-25823566-C-A. GRCh37 (hg19) VCF-style: chr22-26219533-C-A.
Other names: c.2583C>A, p.Cys861Ter (NM_001318245.2); short protein forms C861*.
Identifiers: ClinVar variation 1504711 (VCV001504711.6), dbSNP rs567970076, ClinGen allele CA10160226.